The following is an entry in ClinVar:

NM_001271700.2(ANKRD61):c.801C>T (p.His267=)

Genes: ANKRD61 (ankyrin repeat domain 61; plus strand), EIF2AK1 (eukaryotic translation initiation factor 2 alpha kinase 1; minus strand). Cytogenetic location: 7p22.1.
Variant type: single nucleotide variant.
Coding change: c.801C>T on transcript NM_001271700.2 (MANE Select); coding-DNA position 801, C replaced by T.
Protein change: p.His267=; no amino-acid change (histidine 267 retained).
Molecular consequence: synonymous variant. On other transcripts: intron variant (2).
Genome position (GRCh38, 1-based): chr7:6,035,930, C>T. VCF-style: chr7-6035930-C-T. GRCh37 (hg19) VCF-style: chr7-6075561-C-T.
Other names: c.1329+1494G>A (NM_001134335.2); c.1332+1494G>A (NM_014413.4).
Identifiers: ClinVar variation 4873199 (VCV004873199.2).

ClinVar aggregate classification (germline): Likely benign (1 of 4 stars; one submission).

gnomAD v4.1: 85 of 1,546,934 alleles (0.0055%); highest among the groups gnomAD compares: Admixed American, 0.02%; no homozygotes.

Submission:

CeGaT Center for Human Genetics Tuebingen
Classification: Likely benign. Last evaluated: 2026-04-01. Review status: criteria provided, single submitter. Criteria: CeGaT Center For Human Genetics Tuebingen Variant Classification Criteria Version 2. Collection method: clinical testing. Allele origin: germline. Affected: yes. Observed: 1 variant allele.
Comment: ANKRD61: BP4, BP7